The following is an entry in ClinVar:

NM_001082971.2(DDC):c.435+2T>C

Genes: DDC (dopa decarboxylase; minus strand), DDC-AS1 (DDC antisense RNA 1; plus strand). Cytogenetic location: 7p12.1.
Variant type: single nucleotide variant.
Coding change: c.435+2T>C on transcript NM_001082971.2 (MANE Select); the canonical splice donor site of the intron after coding-DNA position 435, T replaced by C.
Molecular consequence: splice donor variant. On other transcripts: intron variant (1).
Genome position (GRCh38, 1-based): chr7:50,537,858, A>G on the plus strand (T>C on the coding strand, the complement: DDC is on the minus strand). VCF-style: chr7-50537858-A-G. GRCh37 (hg19) VCF-style: chr7-50605556-A-G.
Other names: c.201+6027T>C (NM_001242888.2); c.321+2T>C (NM_001242886.2); c.435+2T>C (NM_001242889.2, NM_001242887.2, NM_000790.4 and 1 more transcripts).
Identifiers: ClinVar variation 3895518 (VCV003895518.1).

ClinVar aggregate classification (germline): Likely pathogenic (1 of 4 stars; one submission).

Conditions:
Deficiency of aromatic-L-amino-acid decarboxylase. Also called: AADC DEFICIENCY; DDC DEFICIENCY; DOPA DECARBOXYLASE DEFICIENCY; Aromatic amino acid decarboxylase deficiency; Aromatic L-Amino Acid Decarboxylase Deficiency. Identifiers: Orphanet 35708, MedGen C1291564, MONDO:0012084, OMIM 608643.

gnomAD v4.1: 1 of 1,614,056 alleles (0.000062%); highest among the groups gnomAD compares: African/African-American, 0.0013%; no homozygotes.

Submission:

Neuberg Centre For Genomic Medicine, NCGM
Classification: Likely pathogenic for Deficiency of aromatic-L-amino-acid decarboxylase. Last evaluated: 2024-02-01. Review status: criteria provided, single submitter. Criteria: ACMG Guidelines, 2015. Collection method: clinical testing. Allele origin: germline. Inheritance: Autosomal recessive inheritance. Affected: yes.
Comment: This variant in DDC has not been reported previously as a pathogenic variant nor as a benign variant, to our knowledge.